The following is an entry in ClinVar:

NM_018100.4(EFHC1):c.263C>T (p.Ala88Val)

Gene: EFHC1 (EF-hand domain containing 1; plus strand). Cytogenetic location: 6p12.2.
Variant type: single nucleotide variant.
Coding change: c.263C>T on transcript NM_018100.4 (MANE Select); coding-DNA position 263, C replaced by T.
Protein change: p.Ala88Val; replaces alanine 88 with valine.
Molecular consequence: missense variant. On other transcripts: non-coding transcript variant (1).
Genome position (GRCh38, 1-based): chr6:52,424,145, C>T. VCF-style: chr6-52424145-C-T. GRCh37 (hg19) VCF-style: chr6-52288943-C-T.
Other names: c.206C>T, p.Ala69Val (NM_001172420.2); c.263C>T (NM_018100.3); short protein forms A88V, A69V.
Identifiers: ClinVar variation 1045462 (VCV001045462.11), dbSNP rs145102896, ClinGen allele CA3855701.

ClinVar aggregate classification (germline): Uncertain significance. Review status: criteria provided, multiple submitters, no conflicts (2 of 4 stars). 2 submissions from 2 submitters: Uncertain significance (2). Last evaluated 2025-02-01.

Conditions:
Absence seizure. Also called: Absence epilepsy. Identifiers: Orphanet 1941, MedGen C0014553.
Myoclonic epilepsy, juvenile, susceptibility to, 1. Also called: Myoclonic Epilepsy, Juvenile, 1; EJM1. Identifiers: MedGen C1850778, MONDO:0020752, OMIM 254770.

Allele frequency attached by ClinVar (database versions not stated): ExAC 0.00002; gnomAD exomes 0.00002 and 0.00003; gnomAD 0.00003 and 0.00004; TOPMed 0.00003; ESP Exome Variant Server 0.00023.
gnomAD v4.1: 41 of 1,613,874 alleles (0.0025%); highest among the groups gnomAD compares: African/African-American, 0.0053%; no homozygotes.

Submissions (2):

Ambry Genetics
Classification: Uncertain significance. Last evaluated: 2025-02-01. Review status: criteria provided, single submitter. Criteria: Ambry Variant Classification Scheme 2023. Collection method: clinical testing. Allele origin: germline.

Labcorp Genetics (formerly Invitae), Labcorp
Classification: Uncertain significance for Myoclonic epilepsy, juvenile, susceptibility to, 1; Absence seizure. Last evaluated: 2020-10-08. Review status: criteria provided, single submitter. Criteria: Invitae Variant Classification Sherloc (09022015). Collection method: clinical testing. Allele origin: germline.
Comment: This sequence change replaces alanine with valine at codon 88 of the EFHC1 protein (p.Ala88Val). The alanine residue is highly conserved and there is a small physicochemical difference between alanine and valine. This variant is present in population databases (rs145102896, ExAC 0.01%). In summary, the available evidence is currently insufficient to determine the role of this variant in disease. Therefore, it has been classified as a Variant of Uncertain Significance. Algorithms developed to predict the effect of missense changes on protein structure and function are either unavailable or do not agree on the potential impact of this missense change (SIFT: "Deleterious"; PolyPhen-2: "Possibly Damaging"; Align-GVGD: "Class C0"). This variant has not been reported in the literature in individuals with EFHC1-related conditions.